The following is an entry in ClinVar:

NM_000540.3(RYR1):c.7291G>A (p.Asp2431Asn)

Gene: RYR1 (ryanodine receptor 1; plus strand). Cytogenetic location: 19q13.2.
Variant type: single nucleotide variant.
Coding change: c.7291G>A on transcript NM_000540.3 (MANE Select); coding-DNA position 7291, G replaced by A.
Protein change: p.Asp2431Asn; replaces aspartic acid 2431 with asparagine.
Molecular consequence: missense variant.
Genome position (GRCh38, 1-based): chr19:38,499,984, G>A. VCF-style: chr19-38499984-G-A. GRCh37 (hg19) VCF-style: chr19-38990624-G-A.
Other names: NM_000540.2(RYR1):c.7291G>A; c.7291G>A, p.Asp2431Asn (NM_001042723.2); short protein forms D2431N.
Identifiers: ClinVar variation 133194 (VCV000133194.24), dbSNP rs193922810, ClinGen allele CA024741.

ClinVar aggregate classification (germline): Likely pathogenic. Review status: reviewed by expert panel (3 of 4 stars). 13 submissions from 13 submitters: Likely pathogenic (1). 12 of the submissions do not count toward it. Last evaluated 2025-08-01.

Conditions:
RYR1-related disorder. Also called: RYR1-related disorders; RYR1-related condition. Identifiers: MedGen CN239331.
Inborn genetic diseases. Identifiers: MedGen C0950123, MeSH D030342.
Central core myopathy (CMYO1A). Also called: Central core disease; Myopathy, central fibrillar; CONGENITAL MYOPATHY 1A, AUTOSOMAL DOMINANT, WITH SUSCEPTIBILITY TO MALIGNANT HYPERTHERMIA. Identifiers: Orphanet 597, MedGen C5830701, MONDO:0007294, OMIM 117000.
Congenital multicore myopathy with external ophthalmoplegia (CMYO1B). Also called: MULTICORE MYOPATHY; Congenital myopathy 1B, autosomal recessive; Minicore myopathy; Minicore myopathy with external ophthalmoplegia; MULTIMINICORE DISEASE WITH EXTERNAL OPHTHALMOPLEGIA. Identifiers: Orphanet 598, Orphanet 98905, MedGen C1850674, MONDO:0009712, OMIM 255320, HP:0003789.
King Denborough syndrome (KDS). Identifiers: MedGen C1840365, MONDO:0020485, OMIM 619542.
Malignant hyperthermia, susceptibility to, 1 (MHS1). Also called: RYR1-Related Malignant Hyperthermia Susceptibility; Anesthesia related hyperthermia; Malignant hyperpyrexia; Fulminating hyperpyrexia; Pharmacogenic myopathy; Malignant hyperthermia suceptibility 1. Identifiers: Orphanet 423, MedGen C2930980, MONDO:0007783, OMIM 145600.
Autosomal dominant and autosomal recessive RYR1-related disorders.
Malignant hyperthermia of anesthesia. Also called: Anesthesic-triggered malignant hyperthermia. Identifiers: Orphanet 423, MedGen C0024591, MONDO:0018493, HP:0034733.

Allele frequency attached by ClinVar (database versions not stated): ExAC 0.00001; gnomAD exomes 0.00001; gnomAD 0.00003 and 0.00002; TOPMed 0.00003; ESP Exome Variant Server 0.00008.

Submissions 1 to 6 of 13:

ClinGen Malignant Hyperthermia Susceptibility Variant Curation Expert Panel, ClinGen
Classification: Likely pathogenic for Malignant hyperthermia, susceptibility to, 1. Last evaluated: 2025-08-01. Review status: reviewed by expert panel. Criteria: ClinGen MHS ACMG Specifications V2. Collection method: curation. Allele origin: germline. Inheritance: Autosomal dominant inheritance.
Comment: This pathogenicity assessment is relevant only for malignant hyperthermia susceptibility (MHS) inherited in an autosomal dominant pattern. Variants in RYR1 can also cause other myopathies inherited in an autosomal dominant pattern or in an autosomal recessive pattern. Some of these disorders may predispose individuals to malignant hyperthermia. RYR1 variants may also contribute to a malignant hyperthermia reaction in combination with other genetic and non-genetic factors and the clinician needs to consider such factors in making management decisions. This sequence variant predicts a substitution of aspartic acid with asparagine at codon 2431 of the RYR1 protein, p.(Asp2431Asn). The maximum allele frequency for this variant among the six major gnomAD populations is AFR: 0.000062, a frequency consistent with pathogenicity for MHS. This variant has been reported in two unrelated individuals who have a personal or family history of a malignant hyperthermia reaction, two of these individuals had a positive in vitro contracture test (IVCT) or caffeine halothane contracture test (CHCT) result (if the proband was unavailable for testing, a positive diagnostic test result in a mutation-positive relative was counted), PS4_Moderate (PMID:11575529, PMID:30236257). No functional studies were identified for this variant. This variant resides in a region of RYR1 considered to be a hotspot for pathogenic variants that contribute to MHS, PM1 (PMID: 21118704). A REVEL score >0.85 (0.888) supports a pathogenic status for this variant, PP3_Moderate. This variant has been classified as Likely Pathogenic. Criteria implemented: PS4_Moderate, PM1, PP3_Moderate.

Ambry Genetics
Classification: Uncertain significance for Inborn genetic diseases. Last evaluated: 2026-08-05. Review status: criteria provided, single submitter. Criteria: Ambry Variant Classification Scheme 2023. Collection method: clinical testing. Allele origin: germline. Not counted in ClinVar's aggregate classification.
Comment: The c.7291G>A (p.D2431N) alteration is located in exon 45 (coding exon 45) of the RYR1 gene. This alteration results from a G to A substitution at nucleotide position 7291, causing the aspartic acid (D) at amino acid position 2431 to be replaced by an asparagine (N). Based on data from gnomAD, the A allele has an overall frequency of 0.001% (2/251290) total alleles studied. The highest observed frequency was 0.006% (1/16246) of African alleles. This variant was reported in individual(s) with features consistent with RYR1-associated malignant hyperthermia sensitivity (Miller, 2018; Sei, 2002; Sambuughin, 2001). Other variant(s) at the same codon, c.7291G>T (p.D2431Y), c.7292A>T (p.D2431V), have been identified in individual(s) with features consistent with RYR1-associated malignant hyperthermia sensitivity (Miller, 2018; Silva, 2025), but these variants are predicted to be more disruptive than p.D2431N. This amino acid position is highly conserved in available vertebrate species. Internal structural analysis was inconclusive, and the effect of the variant on the structure remains unknown (Woll, 2021). The in silico prediction for this alteration is inconclusive. Based on insufficient or conflicting evidence, the clinical significance of this alteration remains unclear.

Labcorp Genetics (formerly Invitae), Labcorp
Classification: Likely pathogenic for RYR1-related disorder. Last evaluated: 2025-12-19. Review status: criteria provided, single submitter. Criteria: Invitae Variant Classification Sherloc (09022015). Collection method: clinical testing. Allele origin: germline. Not counted in ClinVar's aggregate classification.
Comment: This sequence change replaces aspartic acid, which is acidic and polar, with asparagine, which is neutral and polar, at codon 2431 of the RYR1 protein (p.Asp2431Asn). This variant is present in population databases (rs193922810, gnomAD 0.007%). This missense change has been observed in individual(s) with autosomal dominant malignant hyperthermia (PMID: 11575529). ClinVar contains an entry for this variant (Variation ID: 133194). Invitae Evidence Modeling of protein sequence and biophysical properties (such as structural, functional, and spatial information, amino acid conservation, physicochemical variation, residue mobility, and thermodynamic stability) indicates that this missense variant is expected to disrupt RYR1 protein function with a positive predictive value of 80%. This variant disrupts the p.Asp2431 amino acid residue in RYR1. Other variant(s) that disrupt this residue have been determined to be pathogenic (PMID: 16917943, 19648156, 30236257; internal data). This suggests that this residue is clinically significant, and that variants that disrupt this residue are likely to be disease-causing. In summary, the currently available evidence indicates that the variant is pathogenic, but additional data are needed to prove that conclusively. Therefore, this variant has been classified as Likely Pathogenic.

Dasa
Classification: Likely pathogenic. Last evaluated: 2025-06-30. Review status: criteria provided, single submitter. Criteria: DASA Assertion Criteria. Collection method: clinical testing. Allele origin: germline. Not counted in ClinVar's aggregate classification.
Comment: NM_000540.3(RYR1):c.7291G>A (p.Asp2431Asn) is a missense variant that results in the substitution of aspartic acid with asparagine. The affected residue or protein region has prior evidence supporting clinical relevance. This variant has been recurrently observed in individuals with RYR1-related disorders (PMID: 11575529; PMID: 30236257). Also, this variant is rare in population databases. Computational evidence supports a deleterious effect. Based on the currently available evidence, this variant is classified as likely pathogenic.

Color Diagnostics, LLC DBA Color Health
Classification: Likely pathogenic for Malignant hyperthermia, susceptibility to, 1. Last evaluated: 2025-06-23. Review status: criteria provided, single submitter. Criteria: ACMG Guidelines, 2015. Collection method: clinical testing. Allele origin: germline. Not counted in ClinVar's aggregate classification.
Comment: This missense variant replaces aspartic acid with asparagine at codon 2431 of the RYR1 protein. Computational prediction suggests that this variant may have deleterious impact on protein structure and function. Although functional studies have not been reported for this variant, it occurs in a region of RYR1 considered to be a hotspot for pathogenic variants that contribute to malignant hyperthermia susceptibility (PMID: 21118704). This variant has been reported in individuals and families affected with malignant hyperthermia susceptibility (PMID: 11575529, 12411786, 15448513, 30236257). This variant has been identified in 2/251290 chromosomes in the general population by the Genome Aggregation Database (gnomAD). Based on the available evidence, this variant is classified as Likely Pathogenic.

Variantyx, Inc.
Classification: Likely pathogenic for Autosomal dominant and autosomal recessive RYR1-related disorders. Last evaluated: 2025-03-06. Review status: criteria provided, single submitter. Criteria: Variantyx Assertion Criteria 2022. Collection method: clinical testing. Allele origin: germline. Not counted in ClinVar's aggregate classification.
Comment: This is a nonsynonymous variant in the RYR1 gene (OMIM: 180901). Pathogenic variants in this gene have been associated with autosomal dominant and autosomal recessive RYR1-related disorders. This variant has been reported in at least 2 unrelated individual(s) affected with malignant hyperthermia (PMID: 11575529, 30236257) (PS4_Moderate). This variant lies within a known hotspot for pathogenic variants or a well-established critical functional domain of the RYR1 protein (PM1). Multiple computational algorithms predict a deleterious effect for this variant (REVEL score: 0.888) (PP3_Moderate). This variant has a 0.0027% maximum allele frequency in non-founder control populations. Based on the current evidence, this variant is classified as likely pathogenic for autosomal dominant susceptibility to malignant hyperthermia 1.